The following is an entry in ClinVar:

NM_015231.3(NUP160):c.2626C>T (p.Arg876Ter)

Gene: NUP160 (nucleoporin 160; minus strand). Cytogenetic location: 11p11.2.
Variant type: single nucleotide variant.
Coding change: c.2626C>T on transcript NM_015231.3 (MANE Select); coding-DNA position 2626, C replaced by T.
Protein change: p.Arg876Ter; replaces arginine 876 with a stop codon.
Molecular consequence: nonsense. On other transcripts: non-coding transcript variant (1).
Genome position (GRCh38, 1-based): chr11:47,803,485, G>A on the plus strand (C>T on the coding strand, the complement: NUP160 is on the minus strand). VCF-style: chr11-47803485-G-A. GRCh37 (hg19) VCF-style: chr11-47825037-G-A.
Other names: short protein forms R910*, R876*.
Identifiers: ClinVar variation 590323 (VCV000590323.4), dbSNP rs766361033, ClinGen allele CA5980918.
Genomic context (GRCh38, chr11:47,803,485, plus strand): 5'-AAATGTAGTTTACCTTCTGTCCTTCTCCTGTAACTAGGTAACACCTTCCCAGCATAAATC[G>A]ACAGGAACCAACATTGACTTGACACCAGGGATGTAGCAGTTGAATATAATCCTTAAAGGC-3'

ClinVar aggregate classification (germline): Uncertain significance. Review status: criteria provided, single submitter (1 of 4 stars). 2 submissions from 2 submitters: Uncertain significance (1). 1 of the submissions does not count toward it. Last evaluated 2019-01-10.

Conditions:
Nephrotic syndrome, type 19. Identifiers: MedGen C4748552, MONDO:0032582, OMIM 618178.

Allele frequency attached by ClinVar (database versions not stated): gnomAD exomes below 0.00001 and 0.00001; ExAC 0.00001; gnomAD 0.00001; TOPMed 0.00001.
gnomAD v4.1: 5 of 1,612,210 alleles (0.00031%); highest among the groups gnomAD compares: Admixed American, 0.005%; no homozygotes.

Submissions (2):

SIB Swiss Institute of Bioinformatics
Classification: Uncertain significance for Nephrotic syndrome, type 19. Last evaluated: 2019-01-10. Review status: criteria provided, single submitter. Criteria: ACMG Guidelines, 2015. Collection method: curation. Allele origin: unknown.
Comment: This variant is interpreted as a Uncertain significance for Nephrotic syndrome 19, autosomal recessive. The following ACMG Tag(s) were applied: PM2 => Absent from controls (or at extremely low frequency if recessive) in Exome Sequencing Project, 1000 Genomes Project, or Exome Aggregation Consortium. PVS1-Supporting => PVS1 downgraded in strength to Supporting.

ClinGen:CA5980918

OMIM
Classification: Pathogenic for NEPHROTIC SYNDROME, TYPE 19 (1 family). Last evaluated: 2024-07-31. Review status: no assertion criteria provided. Collection method: literature only. Allele origin: germline. Not counted in ClinVar's aggregate classification.

Literature cited by the submitters: PubMed 30179222 (cited by SIB Swiss Institute of Bioinformatics and OMIM).